The following is an entry in ClinVar:

ClinVar aggregate classification (germline): Uncertain significance. Review status: criteria provided, multiple submitters, no conflicts (2 of 4 stars). 2 submissions from 2 submitters: Uncertain significance (2). Last evaluated 2024-12-12.

Conditions:
Left ventricular noncompaction 8 (LVNC8). Identifiers: Orphanet 154, Orphanet 54260, MedGen C3809288, MONDO:0014152, OMIM 615373.

Allele frequency attached by ClinVar (database versions not stated): gnomAD 0.00001; TOPMed 0.00002.
gnomAD v4.1: 66 of 1,612,668 alleles (0.0041%); highest among the groups gnomAD compares: South Asian, 0.041%; 1 homozygote.

Submissions (2):

Labcorp Genetics (formerly Invitae), Labcorp
Classification: Uncertain significance for Left ventricular noncompaction 8. Last evaluated: 2024-12-12. Review status: criteria provided, single submitter. Criteria: Invitae Variant Classification Sherloc (09022015). Collection method: clinical testing. Allele origin: germline.
Comment: This sequence change replaces glutamic acid, which is acidic and polar, with lysine, which is basic and polar, at codon 237 of the PRDM16 protein (p.Glu237Lys). This variant is present in population databases (rs764674939, gnomAD 0.04%). This variant has not been reported in the literature in individuals affected with PRDM16-related conditions. ClinVar contains an entry for this variant (Variation ID: 1495168). An algorithm developed to predict the effect of missense changes on protein structure and function (PolyPhen-2) suggests that this variant is likely to be disruptive. In summary, the available evidence is currently insufficient to determine the role of this variant in disease. Therefore, it has been classified as a Variant of Uncertain Significance.

GeneDx
Classification: Uncertain significance. Last evaluated: 2024-05-03. Review status: criteria provided, single submitter. Criteria: GeneDx Variant Classification Process June 2021. Collection method: clinical testing. Allele origin: germline. Affected: yes.
Comment: Has not been previously published as pathogenic or benign to our knowledge; In silico analysis indicates that this missense variant does not alter protein structure/function

NM_022114.4(PRDM16):c.709G>A (p.Glu237Lys)

Gene: PRDM16 (PR/SET domain 16; plus strand). Cytogenetic location: 1p36.32.
Variant type: single nucleotide variant.
Coding change: c.709G>A on transcript NM_022114.4 (MANE Select); coding-DNA position 709, G replaced by A.
Protein change: p.Glu237Lys; replaces glutamic acid 237 with lysine.
Molecular consequence: missense variant.
Genome position (GRCh38, 1-based): chr1:3,402,823, G>A. VCF-style: chr1-3402823-G-A. GRCh37 (hg19) VCF-style: chr1-3319387-G-A.
Other names: c.709G>A, p.Glu237Lys (NM_199454.3); c.709G>A (NM_022114.3); short protein forms E237K.
Identifiers: ClinVar variation 1495168 (VCV001495168.7), dbSNP rs764674939, ClinGen allele CA543938.
Genomic context (GRCh38, chr1:3,402,823, plus strand): 5'-CACCACCACCTCGTTCTCTCTCTTGCAGAGGAGCCCACGTTCCGCTGTGACGAGTGTGAC[G>A]AACTCTTCCAGTCCAAGCTGGACCTGCGGCGCCATAAGAAGTACACGTGTGGCTCAGTGG-3'
Protein context (NP_071397.3, residues 227-247): EPTFRCDECD[Glu237Lys]LFQSKLDLRR